The following is an entry in ClinVar:

NM_015271.5(TRIM2):c.425C>G (p.Pro142Arg)

Gene: TRIM2 (tripartite motif containing 2; plus strand). Cytogenetic location: 4q31.3.
Variant type: single nucleotide variant.
Coding change: c.425C>G on transcript NM_015271.5 (MANE Select); coding-DNA position 425, C replaced by G.
Protein change: p.Pro142Arg; replaces proline 142 with arginine.
Molecular consequence: missense variant. On other transcripts: 5 prime UTR variant (1).
Genome position (GRCh38, 1-based): chr4:153,276,102, C>G. VCF-style: chr4-153276102-C-G. GRCh37 (hg19) VCF-style: chr4-154197254-C-G.
Other names: c.344C>G, p.Pro115Arg (NM_001130067.2, NM_001351056.2, NM_001375512.1 and 5 more transcripts); c.425C>G, p.Pro142Arg (NM_001302692.2, NM_001375488.1, NM_001375490.1 and 1 more transcripts); c.422C>G, p.Pro141Arg (NM_001302693.2, NM_001375489.1, NM_001375491.1 and 1 more transcripts); c.398C>G, p.Pro133Arg (NM_001302694.2, NM_001351054.2); c.395C>G, p.Pro132Arg (NM_001351055.2); c.-133C>G (NM_001351057.2); c.86C>G, p.Pro29Arg (NM_001375522.1, NM_001375523.1, NM_001375525.1); short protein forms P29R, P115R, P132R, P133R, P141R, P142R.
Identifiers: ClinVar variation 1716693 (VCV001716693.5), dbSNP rs2546414965, ClinGen allele CA358470341.

ClinVar aggregate classification (germline): Uncertain significance (1 of 4 stars; one submission).

Conditions:
Charcot-Marie-Tooth disease type 2R. Also called: Charcot-Marie-Tooth disease, axonal, type 2R; CHARCOT-MARIE-TOOTH DISEASE, AXONAL, AUTOSOMAL RECESSIVE, TYPE 2R; CHARCOT-MARIE-TOOTH NEUROPATHY, TYPE 2R. Identifiers: Orphanet 397968, MedGen C3809655, MONDO:0014208, OMIM 615490.

Submission:

Labcorp Genetics (formerly Invitae), Labcorp
Classification: Uncertain significance for Charcot-Marie-Tooth disease type 2R. Last evaluated: 2022-08-19. Review status: criteria provided, single submitter. Criteria: Invitae Variant Classification Sherloc (09022015). Collection method: clinical testing. Allele origin: germline.
Comment: This variant is not present in population databases (gnomAD no frequency). This sequence change replaces proline, which is neutral and non-polar, with arginine, which is basic and polar, at codon 115 of the TRIM2 protein (p.Pro115Arg). This variant has not been reported in the literature in individuals affected with TRIM2-related conditions. Algorithms developed to predict the effect of missense changes on protein structure and function (SIFT, PolyPhen-2, Align-GVGD) all suggest that this variant is likely to be tolerated. In summary, the available evidence is currently insufficient to determine the role of this variant in disease. Therefore, it has been classified as a Variant of Uncertain Significance.